The following is an entry in ClinVar:

NM_000421.5(KRT10):c.462T>G (p.Asn154Lys)

Genes: KRT10 (keratin 10; minus strand), KRT10-AS1 (KRT10 antisense RNA 1; plus strand). Cytogenetic location: 17q21.2.
Variant type: single nucleotide variant.
Coding change: c.462T>G on transcript NM_000421.5 (MANE Select); coding-DNA position 462, T replaced by G.
Protein change: p.Asn154Lys; replaces asparagine 154 with lysine.
Molecular consequence: missense variant.
Genome position (GRCh38, 1-based): chr17:40,822,124, A>C on the plus strand (T>G on the coding strand, the complement: KRT10 is on the minus strand). VCF-style: chr17-40822124-A-C. GRCh37 (hg19) VCF-style: chr17-38978376-A-C.
Other names: c.462T>G, p.Asn154Lys (NM_001379366.1); short protein forms N154K.
Identifiers: ClinVar variation 2752552 (VCV002752552.3), dbSNP rs2508781272, ClinGen allele CA399394789.

ClinVar aggregate classification (germline): Uncertain significance (1 of 4 stars; one submission).

Submission:

Labcorp Genetics (formerly Invitae), Labcorp
Classification: Uncertain significance. Last evaluated: 2023-11-13. Review status: criteria provided, single submitter. Criteria: Invitae Variant Classification Sherloc (09022015). Collection method: clinical testing. Allele origin: germline.
Comment: This sequence change replaces asparagine, which is neutral and polar, with lysine, which is basic and polar, at codon 154 of the KRT10 protein (p.Asn154Lys). This variant is not present in population databases (gnomAD no frequency). This missense change has been observed in individual(s) with autosomal dominant epidermolytic hyperkeratosis (Invitae). Advanced modeling of protein sequence and biophysical properties (such as structural, functional, and spatial information, amino acid conservation, physicochemical variation, residue mobility, and thermodynamic stability) has been performed at Invitae for this missense variant, however the output from this modeling did not meet the statistical confidence thresholds required to predict the impact of this variant on KRT10 protein function. This variant disrupts the p.Asn154 amino acid residue in KRT10. Other variant(s) that disrupt this residue have been determined to be pathogenic (PMID: 7508181; Invitae). This suggests that this residue is clinically significant, and that variants that disrupt this residue are likely to be disease-causing. In summary, the available evidence is currently insufficient to determine the role of this variant in disease. Therefore, it has been classified as a Variant of Uncertain Significance.

Literature cited by the submitters: PubMed 7508181.